The following is an entry in ClinVar:

NM_000051.4(ATM):c.2505A>G (p.Val835=)

Gene: ATM (ATM serine/threonine kinase; plus strand). Cytogenetic location: 11q22.3.
Variant type: single nucleotide variant.
Coding change: c.2505A>G on transcript NM_000051.4 (MANE Select); coding-DNA position 2505, A replaced by G.
Protein change: p.Val835=; no amino-acid change (valine 835 retained).
Molecular consequence: synonymous variant.
Genome position (GRCh38, 1-based): chr11:108,267,209, A>G. VCF-style: chr11-108267209-A-G. GRCh37 (hg19) VCF-style: chr11-108137936-A-G.
Other names: c.2505A>G, p.Val835= (NM_001351834.2).
Identifiers: ClinVar variation 389675 (VCV000389675.16), dbSNP rs1057523506, ClinGen allele CA16606163.
Genomic context (GRCh38, chr11:108,267,209, plus strand): 5'-TCTTTGTTTCTCTTCCTTGAAGGCATCCTTCATCAAAAAGCCATTTGACCGTGGAGAAGT[A>G]GAATCAATGGAAGATGATACTAATGGAAATCTAATGGAGGTGGAGGATCAGTCATCCATG-3'
Protein context (NP_000042.3, residues 825-845): FIKKPFDRGE[Val835=]ESMEDDTNGN

ClinVar aggregate classification (germline): Benign/Likely benign. Review status: criteria provided, multiple submitters, no conflicts (2 of 4 stars). 5 submissions from 5 submitters: Benign (1); Likely benign (4). Last evaluated 2025-08-29.

Conditions:
Hereditary cancer-predisposing syndrome. Also called: Neoplastic Syndromes, Hereditary; Hereditary neoplastic syndrome; Tumor predisposition; Hereditary Cancer Syndrome. Identifiers: Orphanet 140162, MedGen C0027672, MeSH D009386, MONDO:0015356.
Ataxia-telangiectasia syndrome (AT). Also called: AT, COMPLEMENTATION GROUP C; ATAXIA-TELANGIECTASIA, COMPLEMENTATION GROUP A; ATAXIA-TELANGIECTASIA, FRESNO VARIANT; LOUIS-BAR SYNDROME; Ataxia-telangiectasia; Cerebello-oculocutaneous telangiectasia. Identifiers: Orphanet 100, MedGen C0004135, MONDO:0008840, OMIM 208900.
Familial cancer of breast. Also called: BREAST CANCER, FAMILIAL; hereditary breast carcinoma; Hereditary breast cancer. Identifiers: Orphanet 227535, MedGen C0346153, MONDO:0016419, OMIM 114480. Disease mechanism: loss of function.

Submissions (5):

Labcorp Genetics (formerly Invitae), Labcorp
Classification: Likely benign for Ataxia-telangiectasia syndrome. Last evaluated: 2025-08-29. Review status: criteria provided, single submitter. Criteria: Invitae Variant Classification Sherloc (09022015). Collection method: clinical testing. Allele origin: germline.

Myriad Genetics, Inc.
Classification: Benign for Familial cancer of breast. Last evaluated: 2024-05-09. Review status: criteria provided, single submitter. Criteria: Myriad Autosomal Dominant, Autosomal Recessive and X-Linked Classification Criteria (2023). Collection method: clinical testing. Allele origin: unknown.
Comment: This variant is considered benign. This variant is a silent/synonymous amino acid change and it is not expected to impact splicing.

Ambry Genetics
Classification: Likely benign for Hereditary cancer-predisposing syndrome. Last evaluated: 2024-01-25. Review status: criteria provided, single submitter. Criteria: Ambry Variant Classification Scheme 2023. Collection method: clinical testing. Allele origin: germline.

Color Diagnostics, LLC DBA Color Health
Classification: Likely benign for Hereditary cancer-predisposing syndrome. Last evaluated: 2017-08-30. Review status: criteria provided, single submitter. Criteria: ACMG Guidelines, 2015. Collection method: clinical testing. Allele origin: germline.

GeneDx
Classification: Likely benign. Last evaluated: 2016-09-27. Review status: criteria provided, single submitter. Criteria: GeneDx Variant Classification (06012015). Collection method: clinical testing. Allele origin: germline. Affected: yes.
Comment: This variant is considered likely benign or benign based on one or more of the following criteria: it is a conservative change, it occurs at a poorly conserved position in the protein, it is predicted to be benign by multiple in silico algorithms, and/or has population frequency not consistent with disease.